The following is an entry in ClinVar:

NM_000135.4(FANCA):c.356C>G (p.Ser119Cys)

Gene: FANCA (FA complementation group A; minus strand). Cytogenetic location: 16q24.3.
Variant type: single nucleotide variant.
Coding change: c.356C>G on transcript NM_000135.4 (MANE Select); coding-DNA position 356, C replaced by G.
Protein change: p.Ser119Cys; replaces serine 119 with cysteine.
Molecular consequence: missense variant.
Genome position (GRCh38, 1-based): chr16:89,810,999, G>C on the plus strand (C>G on the coding strand, the complement: FANCA is on the minus strand). VCF-style: chr16-89810999-G-C. GRCh37 (hg19) VCF-style: chr16-89877407-G-C.
Other names: c.356C>G (LRG_495t1); c.356C>G, p.Ser119Cys (NM_001018112.3, NM_001286167.3, NM_001351830.2); short protein forms S119C.
Identifiers: ClinVar variation 321371 (VCV000321371.20), dbSNP rs751309143, ClinGen allele CA8253054.

ClinVar aggregate classification (germline): Conflicting classifications of pathogenicity. Review status: criteria provided, conflicting classifications (1 of 4 stars). 6 submissions from 6 submitters: Uncertain significance (4); Likely benign (1). 1 of the submissions does not count toward it. Last evaluated 2025-12-23.

Conditions:
Inborn genetic diseases. Identifiers: MedGen C0950123, MeSH D030342.
Fanconi anemia (FA). Also called: Fanconi's anemia. Identifiers: Orphanet 84, MedGen C0015625, MeSH D005199, MONDO:0019391.
Fanconi anemia complementation group A (FANCA). Also called: Fanconi anemia, group A; FANCA-Related Fanconi Anemia. Identifiers: Orphanet 84, MedGen C3469521, MONDO:0009215, OMIM 227650.

Allele frequency attached by ClinVar (database versions not stated): gnomAD 0.00001; ExAC 0.00003; TOPMed 0.00004.
gnomAD v4.1: 29 of 1,613,962 alleles (0.0018%); highest among the groups gnomAD compares: East Asian, 0.053%; no homozygotes.

Submissions (6):

Labcorp Genetics (formerly Invitae), Labcorp
Classification: Likely benign for Fanconi anemia. Last evaluated: 2025-12-23. Review status: criteria provided, single submitter. Criteria: Invitae Variant Classification Sherloc (09022015). Collection method: clinical testing. Allele origin: germline.

Fulgent Genetics
Classification: Uncertain significance for Fanconi anemia complementation group A. Last evaluated: 2024-05-30. Review status: criteria provided, single submitter. Criteria: ACMG Guidelines, 2015. Collection method: clinical testing. Allele origin: germline.

St. Jude Molecular Pathology, St. Jude Children's Research Hospital
Classification: Uncertain significance for Fanconi anemia complementation group A. Last evaluated: 2022-05-04. Review status: criteria provided, single submitter. Criteria: St. Jude Assertion Criteria 2020. Collection method: clinical testing. Allele origin: germline.
Comment: The FANCA c.356C>G (p.Ser119Cys) missense change has a maximum subpopulation frequency of 0.054% in gnomAD v2.1.1. It is predicted to have a benign effect on protein function (BP4), but to our knowledge this prediction has not been confirmed by functional studies. To our knowledge, this variant has not been reported in individuals with Fanconi anemia. In summary, this variant meets criteria to be classified as of uncertain significance based on the ACMG/AMP criteria: BP4.

Ambry Genetics
Classification: Uncertain significance for Inborn genetic diseases. Last evaluated: 2021-08-30. Review status: criteria provided, single submitter. Criteria: Ambry Variant Classification Scheme 2023. Collection method: clinical testing. Allele origin: germline.

Illumina Laboratory Services, Illumina
Classification: Uncertain significance for Fanconi anemia complementation group A. Last evaluated: 2018-01-13. Review status: criteria provided, single submitter. Criteria: ICSL Variant Classification Criteria 13 December 2019. Collection method: clinical testing. Allele origin: germline.

Natera, Inc.
Classification: Uncertain significance for Fanconi anemia. Last evaluated: 2020-03-17. Review status: no assertion criteria provided. Collection method: clinical testing. Allele origin: germline. Not counted in ClinVar's aggregate classification.